The following is an entry in ClinVar:

ClinVar aggregate classification (germline): Uncertain significance (1 of 4 stars; one submission).

Conditions:
Epidermolysis bullosa simplex with nail dystrophy (EBS5D). Identifiers: MedGen C4225309, MONDO:0014661, OMIM 616487.
Epidermolysis bullosa simplex 5B, with muscular dystrophy (EBS5B). Also called: EPIDERMOLYSIS BULLOSA SIMPLEX AND LIMB-GIRDLE MUSCULAR DYSTROPHY; Epidermolysis bullosa simplex with muscular dystrophy. Identifiers: Orphanet 257, MedGen C2931072, MONDO:0009181, OMIM 226670.
Epidermolysis bullosa simplex 5C, with pyloric atresia (EBS5C). Also called: PLEC-Related Epidermolysis Bullosa with Pyloric Atresia; Epidermolysis bullosa simplex with pyloric atresia; PLEC1-Related Epidermolysis Bullosa with Pyloric Atresia. Identifiers: Orphanet 158684, MedGen C2677349, MONDO:0012807, OMIM 612138.
Autosomal recessive limb-girdle muscular dystrophy type 2Q (LGMDR17). Also called: MUSCULAR DYSTROPHY, LIMB-GIRDLE, AUTOSOMAL RECESSIVE 17. Identifiers: Orphanet 254361, MedGen C3150989, MONDO:0013390, OMIM 613723.
Epidermolysis bullosa simplex, Ogna type (EBS5A). Also called: Pidermolysis bullosa simplex 5A, Ogna type; EPIDERMOLYSIS BULLOSA SIMPLEX 5A, OGNA TYPE. Identifiers: Orphanet 79401, MedGen C0432317, MONDO:0007555, OMIM 131950.

Allele frequency attached by ClinVar (database versions not stated): gnomAD exomes below 0.00001.
gnomAD v4.1: 4 of 1,613,190 alleles (0.00025%); highest among the groups gnomAD compares: Non-Finnish European, 0.00025%; no homozygotes.

Submission:

Labcorp Genetics (formerly Invitae), Labcorp
Classification: Uncertain significance for Autosomal recessive limb-girdle muscular dystrophy type 2Q; Epidermolysis bullosa simplex, Ogna type; Epidermolysis bullosa simplex with nail dystrophy; Epidermolysis bullosa simplex 5C, with pyloric atresia; Epidermolysis bullosa simplex 5B, with muscular dystrophy. Last evaluated: 2023-11-27. Review status: criteria provided, single submitter. Criteria: Invitae Variant Classification Sherloc (09022015). Collection method: clinical testing. Allele origin: germline.
Comment: This sequence change replaces serine, which is neutral and polar, with asparagine, which is neutral and polar, at codon 3342 of the PLEC protein (p.Ser3342Asn). This variant is present in population databases (no rsID available, gnomAD 0.0009%). This variant has not been reported in the literature in individuals affected with PLEC-related conditions. An algorithm developed to predict the effect of missense changes on protein structure and function (PolyPhen-2) suggests that this variant is likely to be disruptive. In summary, the available evidence is currently insufficient to determine the role of this variant in disease. Therefore, it has been classified as a Variant of Uncertain Significance.

NM_201384.3(PLEC):c.9944G>A (p.Ser3315Asn)

Gene: PLEC (plectin; minus strand). Cytogenetic location: 8q24.3.
Variant type: single nucleotide variant.
Coding change: c.9944G>A on transcript NM_201384.3 (MANE Select); coding-DNA position 9944, G replaced by A.
Protein change: p.Ser3315Asn; replaces serine 3315 with asparagine.
Molecular consequence: missense variant.
Genome position (GRCh38, 1-based): chr8:143,919,877, C>T on the plus strand (G>A on the coding strand, the complement: PLEC is on the minus strand). VCF-style: chr8-143919877-C-T. GRCh37 (hg19) VCF-style: chr8-144994045-C-T.
Other names: c.10025G>A, p.Ser3342Asn (NM_000445.5); c.6644G>A, p.Ser2215Asn (NM_001410941.1); c.9902G>A, p.Ser3301Asn (NM_201378.4); c.9878G>A, p.Ser3293Asn (NM_201379.3); c.10355G>A, p.Ser3452Asn (NM_201380.4); c.9848G>A, p.Ser3283Asn (NM_201381.3); c.9944G>A, p.Ser3315Asn (NM_201382.4); c.9956G>A, p.Ser3319Asn (NM_201383.3); short protein forms S3283N, S3301N, S3315N, S3452N, S2215N, S3293N, S3319N, S3342N.
Identifiers: ClinVar variation 2926541 (VCV002926541.3), dbSNP rs1554679776, ClinGen allele CA372505537.
Genomic context (GRCh38, chr8:143,919,877, plus strand): 5'-TTGCCGTCCTTGAGCTGCTCAAACTGGGCTCTGCTGAGGACCCCGGAAGCCAGGAGCTCG[C>T]TGGCTGGCACAGGGGCACGGAGGCCGCTGAAGGACAGCCTCTCCTGCCGCAGGGTCTCCA-3'
Protein context (NP_958786.1, residues 3305-3325): FSGLRAPVPA[Ser3315Asn]ELLASGVLSR